The following is an entry in ClinVar:

NM_001089.3(ABCA3):c.539A>T (p.His180Leu)

Gene: ABCA3 (ATP binding cassette subfamily A member 3; minus strand). Cytogenetic location: 16p13.3.
Variant type: single nucleotide variant.
Coding change: c.539A>T on transcript NM_001089.3 (MANE Select); coding-DNA position 539, A replaced by T.
Protein change: p.His180Leu; replaces histidine 180 with leucine.
Molecular consequence: missense variant.
Genome position (GRCh38, 1-based): chr16:2,323,597, T>A on the plus strand (A>T on the coding strand, the complement: ABCA3 is on the minus strand). VCF-style: chr16-2323597-T-A. GRCh37 (hg19) VCF-style: chr16-2373598-T-A.
Other names: short protein forms H180L.
Identifiers: ClinVar variation 5035904 (VCV005035904.1).
Genomic context (GRCh38, chr16:2,323,597, plus strand): 5'-TCAGGGGATGTAGGTTCCCTTGGTCCTGGGTTTGGGAAAAGCGGGAAAAGGGAAGTAGTG[T>A]GCCAGCCTTCTGTCTCTTTCAGGAAAAAGGAGCCTGTTTGGGTCCACATGTAATTTCTCC-3'
Protein context (NP_001080.2, residues 170-190): SFFLKETEGW[His180Leu]TTSLFPLFPN

ClinVar aggregate classification (germline): Uncertain significance (1 of 4 stars; one submission).

Conditions:
Hereditary pulmonary alveolar proteinosis. Also called: Pulmonary surfactant metabolism dysfunction. Identifiers: Orphanet 264675, MedGen C3711368, MONDO:0012580.

Submission:

Ambry Genetics
Classification: Uncertain significance for Hereditary pulmonary alveolar proteinosis. Last evaluated: 2026-07-19. Review status: criteria provided, single submitter. Criteria: Ambry Variant Classification Scheme 2023. Collection method: clinical testing. Allele origin: germline.
Comment: The p.H180L variant (also known as c.539A>T), located in coding exon 4 of the ABCA3 gene, results from an A to T substitution at nucleotide position 539. The histidine at codon 180 is replaced by leucine, an amino acid with similar properties. This amino acid position is conserved. In addition, this alteration is predicted to be deleterious by in silico analysis. Based on the available evidence, the clinical significance of this variant remains unclear.